The following is an entry in ClinVar:

ClinVar aggregate classification (germline): Benign/Likely benign. Review status: criteria provided, multiple submitters, no conflicts (2 of 4 stars). 6 submissions from 5 submitters: Benign (4); Likely benign (2). Last evaluated 2026-02-04.

Conditions:
Retinitis pigmentosa (RP). Identifiers: Orphanet 791, MedGen C0035334, MeSH D012174, MONDO:0019200, OMIM 268000. Inheritance: Autosomal dominant, autosomal recessive and X linked inheritance.
Leber congenital amaurosis 3 (LCA3). Also called: SPATA7-Related Retinitis Pigmentosa. Identifiers: MedGen C1858677, MONDO:0011415, OMIM 604232.

Allele frequency attached by ClinVar (database versions not stated): gnomAD exomes 0.00331 and 0.00931; ExAC 0.01127; gnomAD 0.03565 and 0.03845; 1000 Genomes Project 0.03874; TOPMed 0.04055; 1000 Genomes Project 30x 0.04154; ESP Exome Variant Server 0.04346.
gnomAD v4.1: 10,479 of 1,613,416 alleles (0.65%); highest among the groups gnomAD compares: African/African-American, 12%; 584 homozygotes.

Submissions (6):

Labcorp Genetics (formerly Invitae), Labcorp
Classification: Benign for Leber congenital amaurosis 3. Last evaluated: 2026-02-04. Review status: criteria provided, single submitter. Criteria: Invitae Variant Classification Sherloc (09022015). Collection method: clinical testing. Allele origin: germline.

Women's Health and Genetics/Laboratory Corporation of America, LabCorp
Classification: Likely benign. Last evaluated: 2021-12-10. Review status: criteria provided, single submitter. Criteria: LabCorp Variant Classification Summary - May 2015. Collection method: clinical testing. Allele origin: germline.

GeneDx
Classification: Benign. Last evaluated: 2019-10-01. Review status: criteria provided, single submitter. Criteria: GeneDx Variant Classification Process June 2021. Collection method: clinical testing. Allele origin: germline. Affected: yes.
Comment: This variant is associated with the following publications: (PMID: 30924900)

Illumina Laboratory Services, Illumina
Classification: Benign for Leber congenital amaurosis 3. Last evaluated: 2018-01-13. Review status: criteria provided, single submitter. Criteria: ICSL Variant Classification Criteria 13 December 2019. Collection method: clinical testing. Allele origin: germline.
Comment: This variant was observed in the ICSL laboratory as part of a predisposition screen in an ostensibly healthy population. It had not been previously curated by ICSL or reported in the Human Gene Mutation Database (HGMD: prior to June 1st, 2018), and was therefore a candidate for classification through an automated scoring system. Utilizing variant allele frequency, disease prevalence and penetrance estimates, and inheritance mode, an automated score was calculated to assess if this variant is too frequent to cause the disease. Based on the score and internal cut-off values, a variant classified as benign is not then subjected to further curation. The score for this variant resulted in a classification of benign for this disease.

Illumina Laboratory Services, Illumina
Classification: Benign for Retinitis pigmentosa. Last evaluated: 2018-01-13. Review status: criteria provided, single submitter. Criteria: ICSL Variant Classification Criteria 13 December 2019. Collection method: clinical testing. Allele origin: germline.
Comment: the same text as in the submission from Illumina Laboratory Services, Illumina above.

Breakthrough Genomics
Classification: Likely benign. Review status: criteria provided, single submitter. Criteria: ACMG Guidelines, 2015. Collection method: not provided. Allele origin: germline. Inheritance: Autosomal recessive inheritance. Affected: yes.

NM_018418.5(SPATA7):c.284A>G (p.Gln95Arg)

Gene: SPATA7 (spermatogenesis associated 7; plus strand). Cytogenetic location: 14q31.3.
Variant type: single nucleotide variant.
Coding change: c.284A>G on transcript NM_018418.5 (MANE Select); coding-DNA position 284, A replaced by G.
Protein change: p.Gln95Arg; replaces glutamine 95 with arginine.
Molecular consequence: missense variant.
Genome position (GRCh38, 1-based): chr14:88,416,756, A>G. VCF-style: chr14-88416756-A-G. GRCh37 (hg19) VCF-style: chr14-88883100-A-G.
Other names: c.188A>G, p.Gln63Arg (NM_001040428.4); short protein forms Q95R, Q63R.
Identifiers: ClinVar variation 314778 (VCV000314778.16), dbSNP rs61747004, ClinGen allele CA7298487.